The following is an entry in ClinVar:

NM_001378454.1(ALMS1):c.5931G>T (p.Lys1977Asn)

Gene: ALMS1 (ALMS1 centrosome and basal body associated protein; plus strand). Cytogenetic location: 2p13.1.
Variant type: single nucleotide variant.
Coding change: c.5931G>T on transcript NM_001378454.1 (MANE Select); coding-DNA position 5931, G replaced by T.
Protein change: p.Lys1977Asn; replaces lysine 1977 with asparagine.
Molecular consequence: missense variant.
Genome position (GRCh38, 1-based): chr2:73,452,458, G>T. VCF-style: chr2-73452458-G-T. GRCh37 (hg19) VCF-style: chr2-73679585-G-T.
Other names: c.5934G>T, p.Lys1978Asn (NM_015120.4); short protein forms K1978N, K1977N.
Identifiers: ClinVar variation 2181471 (VCV002181471.2), dbSNP rs886056305, ClinGen allele CA347283980.

ClinVar aggregate classification (germline): Uncertain significance (1 of 4 stars; one submission).

Conditions:
Alstrom syndrome (ALMS). Identifiers: Orphanet 64, MedGen C0268425, MONDO:0008763, OMIM 203800.

Allele frequency attached by ClinVar (database versions not stated): TOPMed below 0.00001; gnomAD 0.00001; gnomAD exomes 0.00002.
gnomAD v4.1: 24 of 1,613,924 alleles (0.0015%); highest among the groups gnomAD compares: Non-Finnish European, 0.002%; no homozygotes.

Submission:

Labcorp Genetics (formerly Invitae), Labcorp
Classification: Uncertain significance for Alstrom syndrome. Last evaluated: 2025-01-29. Review status: criteria provided, single submitter. Criteria: Invitae Variant Classification Sherloc (09022015). Collection method: clinical testing. Allele origin: germline.
Comment: This sequence change replaces lysine, which is basic and polar, with asparagine, which is neutral and polar, at codon 1978 of the ALMS1 protein (p.Lys1978Asn). This variant is present in population databases (no rsID available, gnomAD 0.0009%). This variant has not been reported in the literature in individuals affected with ALMS1-related conditions. ClinVar contains an entry for this variant (Variation ID: 2181471). Experimental studies and prediction algorithms are not available or were not evaluated, and the functional significance of this variant is currently unknown. In summary, the available evidence is currently insufficient to determine the role of this variant in disease. Therefore, it has been classified as a Variant of Uncertain Significance.